The following is an entry in ClinVar:

ClinVar aggregate classification (germline): Conflicting classifications of pathogenicity. Review status: criteria provided, conflicting classifications (1 of 4 stars). 4 submissions from 4 submitters: Uncertain significance (2); Likely benign (2). Last evaluated 2025-11-25.

Conditions:
SH3PXD2B-related disorder. Also called: SH3PXD2B-related condition.
Frank-Ter Haar syndrome. Also called: TER HAAR SYNDROME; MELNICK-NEEDLES SYNDROME, AUTOSOMAL RECESSIVE; BORRONE DERMATOCARDIOSKELETAL SYNDROME; Borrone di Rocco Crovato syndrome. Identifiers: Orphanet 1266, Orphanet 137834, MedGen C1855305, MONDO:0009579, OMIM 249420.

Submissions (4):

Labcorp Genetics (formerly Invitae), Labcorp
Classification: Likely benign. Last evaluated: 2025-11-25. Review status: criteria provided, single submitter. Criteria: Invitae Variant Classification Sherloc (09022015). Collection method: clinical testing. Allele origin: germline.

PreventionGenetics, part of Exact Sciences
Classification: Uncertain significance for SH3PXD2B-related condition. Last evaluated: 2025-08-15. Review status: criteria provided, single submitter. Criteria: ACMG Guidelines, 2015. Collection method: clinical testing. Allele origin: germline.
Comment: The SH3PXD2B c.2626_2629delTTTG variant is predicted to result in a frameshift and premature protein termination (p.Phe876Lysfs*16). To our knowledge, this variant has not been reported in the literature. This variant is reported in 0.56% of alleles in individuals of Ashkenazi Jewish descent in gnomAD. This variant is located in the last exon of this gene and no loss of function variants have been reported downstream of this position in the literature. At this time, the clinical significance of this variant is uncertain due to the absence of conclusive functional and genetic evidence.

Blueprint Genetics
Classification: Likely benign. Last evaluated: 2024-10-23. Review status: criteria provided, single submitter. Criteria: ACMG Guidelines, 2015. Collection method: clinical testing. Allele origin: germline.

Dubai Health Genomic Medicine Center, Dubai Health
Classification: Uncertain significance for Frank-Ter Haar syndrome. Last evaluated: 2020-08-04. Review status: criteria provided, single submitter. Criteria: ACMG Guidelines, 2015. Collection method: clinical testing. Allele origin: germline. Affected: yes.

NM_001017995.3(SH3PXD2B):c.2626_2629del (p.Phe876fs)

Gene: SH3PXD2B (SH3 and PX domains 2B; minus strand). Cytogenetic location: 5q35.1.
Variant type: Deletion.
Coding change: c.2626_2629del on transcript NM_001017995.3 (MANE Select); coding-DNA positions 2626 to 2629, 4 bases deleted (TTTG; older notation c.2626_2629delTTTG).
Protein change: p.Phe876fs; shifts the reading frame from phenylalanine 876.
Molecular consequence: frameshift variant. On other transcripts: intron variant (1).
Genome position (GRCh38, 1-based): chr5:172,338,476-172,338,479, CAAA deleted on the plus strand (TTTG on the coding strand, the reverse complement: SH3PXD2B is on the minus strand); deleting any 4 consecutive bases within chr5:172,338,476-172,338,481 gives the same sequence; the c. name uses the placement nearest the transcript's 3' end. VCF-style (leftmost placement, unchanged base first): chr5-172338475-TCAAA-T. GRCh37 (hg19) VCF-style: chr5-171765479-TCAAA-T.
Other names: c.1188+7657_1188+7660del (NM_001308175.2); short protein forms F876fs.
Identifiers: ClinVar variation 737175 (VCV000737175.14), dbSNP rs551498843, ClinGen allele CA3560925.